The following is an entry in ClinVar:

NM_003630.3(PEX3):c.88G>C (p.Gly30Arg)

Gene: PEX3 (peroxisomal biogenesis factor 3; plus strand). Cytogenetic location: 6q24.2.
Variant type: single nucleotide variant.
Coding change: c.88G>C on transcript NM_003630.3 (MANE Select); coding-DNA position 88, G replaced by C.
Protein change: p.Gly30Arg; replaces glycine 30 with arginine.
Molecular consequence: missense variant.
Genome position (GRCh38, 1-based): chr6:143,459,099, G>C. VCF-style: chr6-143459099-G-C. GRCh37 (hg19) VCF-style: chr6-143780236-G-C.
Other names: short protein forms G30R.
Identifiers: ClinVar variation 501532 (VCV000501532.9), dbSNP rs765130422, ClinGen allele CA4029454.
Genomic context (GRCh38, chr6:143,459,099, plus strand): 5'-AATTTTTGGTACTCTAATGAATATAGTACTTTTTTAATGATTGTAGGAGTATATATTCTG[G>C]GGAAATATGGACAGAAGAAAATCAGAGAAATACAGGAAAGGGAGGCTGCAGAATACATTG-3'
Protein context (NP_003621.1, residues 20-40): GTVLGGVYIL[Gly30Arg]KYGQKKIREI

ClinVar aggregate classification (germline): Uncertain significance. Review status: criteria provided, multiple submitters, no conflicts (2 of 4 stars). 2 submissions from 2 submitters: Uncertain significance (2). Last evaluated 2026-01-05.

Allele frequency attached by ClinVar (database versions not stated): ExAC 0.00001; gnomAD exomes 0.00001 and 0.00002; TOPMed 0.00001.
gnomAD v4.1: 7 of 1,592,728 alleles (0.00044%); highest among the groups gnomAD compares: Admixed American, 0.012%; no homozygotes.

Submissions (2):

Labcorp Genetics (formerly Invitae), Labcorp
Classification: Uncertain significance. Last evaluated: 2026-01-05. Review status: criteria provided, single submitter. Criteria: Invitae Variant Classification Sherloc (09022015). Collection method: clinical testing. Allele origin: germline.
Comment: This sequence change replaces glycine, which is neutral and non-polar, with arginine, which is basic and polar, at codon 30 of the PEX3 protein (p.Gly30Arg). This variant is present in population databases (rs765130422, gnomAD 0.01%). This variant has not been reported in the literature in individuals affected with PEX3-related conditions. ClinVar contains an entry for this variant (Variation ID: 501532). Invitae Evidence Modeling of protein sequence and biophysical properties (such as structural, functional, and spatial information, amino acid conservation, physicochemical variation, residue mobility, and thermodynamic stability) indicates that this missense variant is expected to disrupt PEX3 protein function with a positive predictive value of 80%. In summary, the available evidence is currently insufficient to determine the role of this variant in disease. Therefore, it has been classified as a Variant of Uncertain Significance.

Eurofins Ntd Llc (ga)
Classification: Uncertain significance. Last evaluated: 2017-04-18. Review status: criteria provided, single submitter. Criteria: EGL Classification Definitions 2015. Collection method: clinical testing. Allele origin: germline. Observed: 1 variant allele, 1 heterozygote.